The following is an entry in ClinVar:

NM_005120.3(MED12):c.1767G>C (p.Glu589Asp)

Gene: MED12 (mediator complex subunit 12; plus strand). Cytogenetic location: Xq13.1.
Variant type: single nucleotide variant.
Coding change: c.1767G>C on transcript NM_005120.3 (MANE Select); coding-DNA position 1767, G replaced by C.
Protein change: p.Glu589Asp; replaces glutamic acid 589 with aspartic acid.
Molecular consequence: missense variant.
Genome position (GRCh38, 1-based): chrX:71,124,181, G>C. VCF-style: chrX-71124181-G-C. GRCh37 (hg19) VCF-style: chrX-70344031-G-C.
Other names: short protein forms E589D.
Identifiers: ClinVar variation 1472623 (VCV001472623.8), dbSNP rs2147789356, ClinGen allele CA413508947.

ClinVar aggregate classification (germline): Uncertain significance (1 of 4 stars; one submission).

Conditions:
FG syndrome (FGS). Identifiers: MedGen C0220769, MONDO:0002010.

Submission:

Labcorp Genetics (formerly Invitae), Labcorp
Classification: Uncertain significance for FG syndrome. Last evaluated: 2021-02-17. Review status: criteria provided, single submitter. Criteria: Invitae Variant Classification Sherloc (09022015). Collection method: clinical testing. Allele origin: germline.
Comment: Algorithms developed to predict the effect of missense changes on protein structure and function (SIFT, PolyPhen-2, Align-GVGD) all suggest that this variant is likely to be disruptive, but these predictions have not been confirmed by published functional studies and their clinical significance is uncertain. In summary, the available evidence is currently insufficient to determine the role of this variant in disease. Therefore, it has been classified as a Variant of Uncertain Significance. This sequence change replaces glutamic acid with aspartic acid at codon 589 of the MED12 protein (p.Glu589Asp). The glutamic acid residue is highly conserved and there is a small physicochemical difference between glutamic acid and aspartic acid. This variant is not present in population databases (ExAC no frequency). This variant has not been reported in the literature in individuals with MED12-related conditions.